The following is an entry in ClinVar:

NM_000254.3(MTR):c.1544T>G (p.Val515Gly)

Gene: MTR (5-methyltetrahydrofolate-homocysteine methyltransferase; plus strand). Cytogenetic location: 1q43.
Variant type: single nucleotide variant.
Coding change: c.1544T>G on transcript NM_000254.3 (MANE Select); coding-DNA position 1544, T replaced by G.
Protein change: p.Val515Gly; replaces valine 515 with glycine.
Molecular consequence: missense variant.
Genome position (GRCh38, 1-based): chr1:236,850,372, T>G. VCF-style: chr1-236850372-T-G. GRCh37 (hg19) VCF-style: chr1-237013672-T-G.
Other names: c.1544T>G, p.Val515Gly (NM_001291939.1); c.323T>G, p.Val108Gly (NM_001291940.2); short protein forms V108G, V515G.
Identifiers: ClinVar variation 952992 (VCV000952992.9), dbSNP rs1663828645, ClinGen allele CA345373842.

ClinVar aggregate classification (germline): Uncertain significance (1 of 4 stars; one submission).

Conditions:
Methylcobalamin deficiency type cblG (HMAG). Also called: Functional methionine synthase deficiency type cblG; HOMOCYSTINURIA-MEGALOBLASTIC ANEMIA DUE TO DEFECT IN COBALAMIN METABOLISM, cblG COMPLEMENTATION TYPE; HOMOCYSTINURIA-MEGALOBLASTIC ANEMIA, cblG COMPLEMENTATION TYPE; HOMOCYSTINURIA-MEGALOBLASTIC ANEMIA, cblG TYPE. Identifiers: Orphanet 2170, Orphanet 622, MedGen C1855128, MONDO:0009609, OMIM 250940.

Submission:

Labcorp Genetics (formerly Invitae), Labcorp
Classification: Uncertain significance for Methylcobalamin deficiency type cblG. Last evaluated: 2022-07-19. Review status: criteria provided, single submitter. Criteria: Invitae Variant Classification Sherloc (09022015). Collection method: clinical testing. Allele origin: germline.
Comment: This sequence change replaces valine, which is neutral and non-polar, with glycine, which is neutral and non-polar, at codon 515 of the MTR protein (p.Val515Gly). This variant is not present in population databases (gnomAD no frequency). In summary, the available evidence is currently insufficient to determine the role of this variant in disease. Therefore, it has been classified as a Variant of Uncertain Significance. Algorithms developed to predict the effect of missense changes on protein structure and function (SIFT, PolyPhen-2, Align-GVGD) all suggest that this variant is likely to be disruptive. ClinVar contains an entry for this variant (Variation ID: 952992). This variant has not been reported in the literature in individuals affected with MTR-related conditions.